The following is an entry in ClinVar:

NM_022455.5(NSD1):c.7757G>A (p.Gly2586Asp)

Gene: NSD1 (nuclear receptor binding SET domain protein 1; plus strand). Cytogenetic location: 5q35.3.
Variant type: single nucleotide variant.
Coding change: c.7757G>A on transcript NM_022455.5 (MANE Select); coding-DNA position 7757, G replaced by A.
Protein change: p.Gly2586Asp; replaces glycine 2586 with aspartic acid.
Molecular consequence: missense variant.
Genome position (GRCh38, 1-based): chr5:177,295,125, G>A. VCF-style: chr5-177295125-G-A. GRCh37 (hg19) VCF-style: chr5-176722126-G-A.
Other names: c.6884G>A, p.Gly2295Asp (NM_001365684.2, NM_001409308.1, NM_172349.5); c.7757G>A, p.Gly2586Asp (NM_001409301.1, NM_001409302.1, NM_001409303.1); c.7337G>A, p.Gly2446Asp (NM_001409304.1); c.7004G>A, p.Gly2335Asp (NM_001409305.1); c.6995G>A, p.Gly2332Asp (NM_001409306.1, NM_001409307.1); c.6635G>A, p.Gly2212Asp (NM_001409309.1); short protein forms G2212D, G2295D, G2332D, G2335D, G2446D, G2586D.
Identifiers: ClinVar variation 2631168 (VCV002631168.1), dbSNP rs2480839786, ClinGen allele CA362334441.

ClinVar aggregate classification (germline): Uncertain significance (1 of 4 stars; one submission).

Conditions:
NSD1-related disorder. Also called: NSD1-related condition.

Submission:

PreventionGenetics, part of Exact Sciences
Classification: Uncertain significance for NSD1-related condition. Last evaluated: 2023-08-19. Review status: criteria provided, single submitter. Criteria: ACMG Guidelines, 2015. Collection method: clinical testing. Allele origin: germline.
Comment: The NSD1 c.7757G>A variant is predicted to result in the amino acid substitution p.Gly2586Asp. To our knowledge, this variant has not been reported in the literature or in a large population database, indicating this variant is rare. At this time, the clinical significance of this variant is uncertain due to the absence of conclusive functional and genetic evidence.